The following is an entry in ClinVar:

NM_007294.4(BRCA1):c.5005G>A (p.Ala1669Thr)

Gene: BRCA1 (BRCA1 DNA repair associated; minus strand). Cytogenetic location: 17q21.31.
Variant type: single nucleotide variant.
Coding change: c.5005G>A on transcript NM_007294.4 (MANE Select); coding-DNA position 5005, G replaced by A.
Protein change: p.Ala1669Thr; replaces alanine 1669 with threonine.
Molecular consequence: missense variant. On other transcripts: non-coding transcript variant (1).
Genome position (GRCh38, 1-based): chr17:43,067,677, C>T on the plus strand (G>A on the coding strand, the complement: BRCA1 is on the minus strand). VCF-style: chr17-43067677-C-T. GRCh37 (hg19) VCF-style: chr17-41219694-C-T.
Other names: NP_009225.1:p.Ala1669Thr; c.4792G>A, p.Ala1598Thr (NM_001407571.1, NM_001407894.1, NM_001407895.1 and 12 more transcripts); c.5071G>A, p.Ala1691Thr (NM_001407581.1, NM_001407582.1); c.5068G>A, p.Ala1690Thr (NM_001407583.1, NM_001407585.1, NM_001407587.1 and 1 more transcripts); c.5065G>A, p.Ala1689Thr (NM_001407590.1, NM_001407591.1); c.5005G>A, p.Ala1669Thr (NM_001407593.1, NM_001407594.1, NM_001407596.1 and 8 more transcripts); c.5002G>A, p.Ala1668Thr (NM_001407620.1, NM_001407621.1, NM_001407622.1 and 17 more transcripts); c.4999G>A, p.Ala1667Thr (NM_001407627.1, NM_001407628.1, NM_001407639.1 and 14 more transcripts); and 71 more; short protein forms A565T, A1622T, A1669T, A1690T, A1373T, A1515T, A1541T, A1542T.
Identifiers: ClinVar variation 868917 (VCV000868917.21), dbSNP rs80357087, ClinGen allele CA053663.

ClinVar aggregate classification (germline): Conflicting classifications of pathogenicity. Review status: criteria provided, conflicting classifications (1 of 4 stars). 3 submissions from 3 submitters: Uncertain significance (2); Likely benign (1). Last evaluated 2024-06-04.

Conditions:
Hereditary breast ovarian cancer syndrome. Also called: Hereditary breast and ovarian cancer; Hereditary breast and ovarian cancer syndrome (HBOC); Breast and ovarian cancer; Hereditary breast and/or ovarian cancer syndrome; BRCA1- and BRCA2-Associated Hereditary Breast and Ovarian Cancer; Hereditary breast and ovarian cancer syndrome. Identifiers: Orphanet 145, MedGen C0677776, MeSH D061325, MONDO:0003582. Disease mechanism: loss of function.
Breast-ovarian cancer, familial, susceptibility to, 1 (BROVCA1). Also called: BRCA1 Hereditary Breast and Ovarian Cancer; OVARIAN CANCER, SUSCEPTIBILITY TO. Identifiers: Orphanet 145, MedGen C2676676, MONDO:0011450, OMIM 604370. Disease mechanism: loss of function.

gnomAD v4.1: 1 of 1,612,632 alleles (0.000062%); highest among the groups gnomAD compares: Non-Finnish European, 0.000085%; no homozygotes.

Submissions (4):

Labcorp Genetics (formerly Invitae), Labcorp
Classification: Uncertain significance for Hereditary breast ovarian cancer syndrome. Last evaluated: 2024-06-04. Review status: criteria provided, single submitter. Criteria: Invitae Variant Classification Sherloc (09022015). Collection method: clinical testing. Allele origin: germline.
Comment: This sequence change replaces alanine, which is neutral and non-polar, with threonine, which is neutral and polar, at codon 1669 of the BRCA1 protein (p.Ala1669Thr). This variant is present in population databases (rs80357087, gnomAD 0.0009%). This variant has not been reported in the literature in individuals affected with BRCA1-related conditions. ClinVar contains an entry for this variant (Variation ID: 868917). Advanced modeling performed at Invitae incorporating data from internal and/or published experimental studies (PMID: 30209399) indicates that this missense variant is not expected to disrupt BRCA1 function with a negative predictive value of 95%. In summary, the available evidence is currently insufficient to determine the role of this variant in disease. Therefore, it has been classified as a Variant of Uncertain Significance.

Lupski Lab, Baylor-Hopkins CMG, Baylor College of Medicine
Classification: Likely benign for Breast-ovarian cancer, familial, susceptibility to, 1. Last evaluated: 2024-04-12. Review status: criteria provided, single submitter. Criteria: Dawood et al. (medRxiv. 2024). Collection method: curation. Allele origin: germline.
Comment: Each variant was annotated with functional scores from MAVE data which was translated into functional evidence codes. All other evidence codes and combining criteria were adhered to as closely as possible based on the ClinGen VCEP (Variant Curation Expert Panel) gene-specific recommendations. See Supplemental Figure 34 of final paper (Supp Fig. 28 in preprint: doi:10.1101/2024.04.11.24305690) for a table to see which lines of evidence we did not have data for. The ClinGen VCEPs are highly regarded as the gold-standard for gene-specific variant curation and are developed after extensive evaluation of the evidence by clinical and scientific experts for the particular gene to classify genomic variants on a spectrum from pathogenic to benign using the 2015 ACMG/AMP Variant Interpretation Guidelines as a backbone (PMID: 25741868). Reclassification of these VUS variants from gnomAD or All of Us focused only on variants originally prescribed as VUS in ClinVar. To ensure reproducibility, transparency, and increased throughput, all the procedures for annotating variants and assigning evidence codes were codified using Python. All code has been made freely available and is linked in the Code Availability section and all reclassified variants with evidence codes used can be found in Tables S18-19 (preprint: doi:10.1101/2024.04.11.24305690). For the MAVE data, the clinical curation and clinical strength assignment as per the ClinGen recommendations in Brnich et al. (2020) (PMID: 31892348) for or against pathogenicity or benignity of each of these MAVE datasets utilized in this study were previously published in Fayer et al. (2021) (PMID: 34793697).In brief, for BRCA1 variants, if a variant was categorized as FUNC (functional), it was assigned BS3 evidence and no PS3 evidence, whereas if it was categorized as LOF (loss of function), the variant was assigned PS3 evidence and no BS3 evidence. Variants categorized as INT (intermediate) were left unannotated. For the BRCA1 combining criteria, greater than or equal to 1 criteria of strong benign evidence was enough to reclassify the VUS as Likely Benign. This variant GRCh37:17:41219694:C>T was assigned evidence codes ['BS3', 'BP4'] and an overall classification of Likely Benign

National Health Laboratory Service, Universitas Academic Hospital and University of the Free State
Classification: Uncertain significance for Hereditary breast ovarian cancer syndrome. Last evaluated: 2021-11-16. Review status: criteria provided, single submitter. Criteria: ACMG Guidelines, 2015. Collection method: clinical testing. Allele origin: germline. Affected: yes. Observed: 1 variant allele.

Brotman Baty Institute, University of Washington
No classification provided (evidence only). Condition: Breast-ovarian cancer, familial 1. Review status: no classification provided. Collection method: in vitro. Allele origin: not applicable. Functional consequence: functionally_normal. Not counted in ClinVar's aggregate classification.
ClinVar note: "not provided" was previously submitted as the classification for the variant. However, the classification appeared to be based only on an observation of functional data so it was converted to no classification on 2025-07-30.

Literature cited by the submitters: PubMed 30209399 (cited by Labcorp Genetics (formerly Invitae), Labcorp); PubMed 39142283 (cited by Lupski Lab, Baylor-Hopkins CMG, Baylor College of Medicine); PubMed 34793697 (cited by Lupski Lab, Baylor-Hopkins CMG, Baylor College of Medicine); DOI 10.1101/2024.04.11.24305690 (cited by Lupski Lab, Baylor-Hopkins CMG, Baylor College of Medicine); DOI 10.3389/fgene.2022.834265 (cited by National Health Laboratory Service, Universitas Academic Hospital and University of the Free State).